The following is an entry in ClinVar:

ClinVar aggregate classification (germline): Uncertain significance (1 of 4 stars; one submission).

Allele frequency attached by ClinVar (database versions not stated): gnomAD 0.00001; gnomAD exomes 0.00002.
gnomAD v4.1: 18 of 1,182,422 alleles (0.0015%); highest among the groups gnomAD compares: Non-Finnish European, 0.002%; no homozygotes.

Submission:

Labcorp Genetics (formerly Invitae), Labcorp
Classification: Uncertain significance. Last evaluated: 2022-08-16. Review status: criteria provided, single submitter. Criteria: Invitae Variant Classification Sherloc (09022015). Collection method: clinical testing. Allele origin: germline.
Comment: In summary, the available evidence is currently insufficient to determine the role of this variant in disease. Therefore, it has been classified as a Variant of Uncertain Significance. Algorithms developed to predict the effect of missense changes on protein structure and function are either unavailable or do not agree on the potential impact of this missense change (SIFT: "Deleterious"; PolyPhen-2: "Benign"; Align-GVGD: "Class C0"). This variant has not been reported in the literature in individuals affected with CACNA1F-related conditions. This variant is not present in population databases (gnomAD no frequency). This sequence change replaces leucine, which is neutral and non-polar, with proline, which is neutral and non-polar, at codon 451 of the CACNA1F protein (p.Leu451Pro).

NM_001256789.3(CACNA1F):c.1319T>C (p.Leu440Pro)

Gene: CACNA1F (calcium voltage-gated channel subunit alpha1 F; minus strand). Cytogenetic location: Xp11.23.
Variant type: single nucleotide variant.
Coding change: c.1319T>C on transcript NM_001256789.3 (MANE Select); coding-DNA position 1319, T replaced by C.
Protein change: p.Leu440Pro; replaces leucine 440 with proline.
Molecular consequence: missense variant.
Genome position (GRCh38, 1-based): chrX:49,226,660, A>G on the plus strand (T>C on the coding strand, the complement: CACNA1F is on the minus strand). VCF-style: chrX-49226660-A-G. GRCh37 (hg19) VCF-style: chrX-49083122-A-G.
Other names: c.1157T>C, p.Leu386Pro (NM_001256790.3); c.1352T>C, p.Leu451Pro (NM_005183.4); short protein forms L451P, L440P, L386P.
Identifiers: ClinVar variation 2045422 (VCV002045422.4), dbSNP rs2065828137, ClinGen allele CA412917950.
Genomic context (GRCh38, chrX:49,226,660, plus strand): 5'-GGACCCCCACCATGGCTGCTGGTGGAGTGTGTGGAGCGAGTAGAATGACTGAACCAGCGC[A>G]GACGTCCACGCCTCCTATTGGTCAGCTCGGCCAGCTGTGGCCCTGCAGGGAGAGAAAGGA-3'
Protein context (NP_001243718.1, residues 430-450): AELTNRRRGR[Leu440Pro]RWFSHSTRST